The following is an entry in ClinVar:

NC_000004.12:g.1395525T>C

Genes: CRIPAK (cysteine rich PAK1 inhibitor; plus strand), UVSSA (UV stimulated scaffold protein A; plus strand), LOC126806945 (P300/CBP strongly-dependent group 1 enhancer GRCh37_chr4:1388225-1389424; plus strand). Cytogenetic location: 4p16.3.
Variant type: single nucleotide variant.
Genome position: GRCh38 VCF-style: chr4-1395525-T-C. GRCh37 (hg19) VCF-style: chr4-1389313-T-C.
Identifiers: ClinVar variation 4086033 (VCV004086033.8).

ClinVar aggregate classification (germline): Likely benign (1 of 4 stars; one submission).

gnomAD v4.1: 1 of 1,589,256 alleles (0.000063%); highest among the groups gnomAD compares: Non-Finnish European, 0.000085%; no homozygotes.

Submission:

CeGaT Center for Human Genetics Tuebingen
Classification: Likely benign. Last evaluated: 2025-06-01. Review status: criteria provided, single submitter. Criteria: CeGaT Center For Human Genetics Tuebingen Variant Classification Criteria Version 2. Collection method: clinical testing. Allele origin: germline. Affected: yes. Observed: 1 variant allele.
Comment: CRIPAK: BP4, BP7